The following is an entry in ClinVar:

NM_003998.4(NFKB1):c.1138G>C (p.Gly380Arg)

Gene: NFKB1 (nuclear factor kappa B subunit 1; plus strand). Cytogenetic location: 4q24.
Variant type: single nucleotide variant.
Coding change: c.1138G>C on transcript NM_003998.4 (MANE Select); coding-DNA position 1138, G replaced by C.
Protein change: p.Gly380Arg; replaces glycine 380 with arginine.
Molecular consequence: missense variant.
Genome position (GRCh38, 1-based): chr4:102,593,496, G>C. VCF-style: chr4-102593496-G-C. GRCh37 (hg19) VCF-style: chr4-103514653-G-C.
Other names: c.1135G>C, p.Gly379Arg (NM_001165412.2, NM_001319226.2, NM_001382627.1); c.1138G>C, p.Gly380Arg (NM_001382625.1, NM_001382626.1); c.1096G>C, p.Gly366Arg (NM_001382628.1); short protein forms G379R, G380R, G366R.
Identifiers: ClinVar variation 4696941 (VCV004696941.1).
Genomic context (GRCh38, chr4:102,593,496, plus strand): 5'-GTGCAGAGGAAACGTCAGAAGCTCATGCCCAATTTTTCGGATAGTTTCGGCGGTGGTAGT[G>C]GTGCTGGAGCTGGAGGCGGAGGCATGTTTGGTAGTGGCGGTGGAGGAGGGGGCACTGGAA-3'
Protein context (NP_003989.2, residues 370-390): NFSDSFGGGS[Gly380Arg]AGAGGGGMFG

ClinVar aggregate classification (germline): Uncertain significance (1 of 4 stars; one submission).

Submission:

Labcorp Genetics (formerly Invitae), Labcorp
Classification: Uncertain significance. Last evaluated: 2025-10-01. Review status: criteria provided, single submitter. Criteria: Invitae Variant Classification Sherloc (09022015). Collection method: clinical testing. Allele origin: germline.
Comment: This sequence change replaces glycine, which is neutral and non-polar, with arginine, which is basic and polar, at codon 380 of the NFKB1 protein (p.Gly380Arg). This variant is present in population databases (rs767533475, gnomAD 0.0009%). This variant has not been reported in the literature in individuals affected with NFKB1-related conditions. Invitae Evidence Modeling of protein sequence and biophysical properties (such as structural, functional, and spatial information, amino acid conservation, physicochemical variation, residue mobility, and thermodynamic stability) indicates that this missense variant is not expected to disrupt NFKB1 protein function with a negative predictive value of 80%. In summary, the available evidence is currently insufficient to determine the role of this variant in disease. Therefore, it has been classified as a Variant of Uncertain Significance.